The following is an entry in ClinVar:

NM_018557.3(LRP1B):c.13047G>A (p.Thr4349=)

Gene: LRP1B (LDL receptor related protein 1B; minus strand). Cytogenetic location: 2q22.1.
Variant type: single nucleotide variant.
Coding change: c.13047G>A on transcript NM_018557.3 (MANE Select); coding-DNA position 13047, G replaced by A.
Protein change: p.Thr4349=; no amino-acid change (threonine 4349 retained).
Molecular consequence: synonymous variant.
Genome position (GRCh38, 1-based): chr2:140,274,519, C>T on the plus strand (G>A on the coding strand, the complement: LRP1B is on the minus strand). VCF-style: chr2-140274519-C-T. GRCh37 (hg19) VCF-style: chr2-141032088-C-T.
Identifiers: ClinVar variation 3060762 (VCV003060762.2), dbSNP rs1386356, ClinGen allele CA1892642.

ClinVar aggregate classification (germline): Benign (0 of 4 stars; one submission).

Conditions:
LRP1B-related disorder. Also called: LRP1B-related condition.

Allele frequency attached by ClinVar (database versions not stated): 1000 Genomes Project 30x 0.48111; 1000 Genomes Project 0.48622; TOPMed 0.51232; ESP Exome Variant Server 0.53199; gnomAD 0.53404; ExAC 0.60372; gnomAD exomes 0.66151.
gnomAD v4.1: 1,044,812 of 1,611,552 alleles (65%); highest among the groups gnomAD compares: Non-Finnish European, 69%; 348,491 homozygotes.

Submission:

PreventionGenetics, part of Exact Sciences
Classification: Benign for LRP1B-related condition. Last evaluated: 2019-10-17. Review status: no assertion criteria provided. Collection method: clinical testing. Allele origin: germline.
Comment: This variant is classified as benign based on ACMG/AMP sequence variant interpretation guidelines (Richards et al. 2015 PMID: 25741868, with internal and published modifications).